The following is an entry in ClinVar:

NM_003998.4(NFKB1):c.556G>T (p.Asp186Tyr)

Gene: NFKB1 (nuclear factor kappa B subunit 1; plus strand). Cytogenetic location: 4q24.
Variant type: single nucleotide variant.
Coding change: c.556G>T on transcript NM_003998.4 (MANE Select); coding-DNA position 556, G replaced by T.
Protein change: p.Asp186Tyr; replaces aspartic acid 186 with tyrosine.
Molecular consequence: missense variant.
Genome position (GRCh38, 1-based): chr4:102,577,024, G>T. VCF-style: chr4-102577024-G-T. GRCh37 (hg19) VCF-style: chr4-103498181-G-T.
Other names: c.553G>T, p.Asp185Tyr (NM_001165412.2, NM_001319226.2, NM_001382627.1); c.556G>T, p.Asp186Tyr (NM_001382625.1, NM_001382626.1); c.514G>T, p.Asp172Tyr (NM_001382628.1); short protein forms D185Y, D172Y, D186Y.
Identifiers: ClinVar variation 1357678 (VCV001357678.8), dbSNP rs777291215, ClinGen allele CA3025901.

ClinVar aggregate classification (germline): Uncertain significance (1 of 4 stars; one submission).

Allele frequency attached by ClinVar (database versions not stated): gnomAD exomes below 0.00001; ExAC 0.00001.
gnomAD v4.1: 2 of 1,610,546 alleles (0.00012%); highest among the groups gnomAD compares: Non-Finnish European, 0.00017%; no homozygotes.

Submission:

Labcorp Genetics (formerly Invitae), Labcorp
Classification: Uncertain significance. Last evaluated: 2021-05-31. Review status: criteria provided, single submitter. Criteria: Invitae Variant Classification Sherloc (09022015). Collection method: clinical testing. Allele origin: germline.
Comment: In summary, the available evidence is currently insufficient to determine the role of this variant in disease. Therefore, it has been classified as a Variant of Uncertain Significance. Algorithms developed to predict the effect of sequence changes on RNA splicing suggest that this variant may create or strengthen a splice site, but this prediction has not been confirmed by published transcriptional studies. Algorithms developed to predict the effect of missense changes on protein structure and function are either unavailable or do not agree on the potential impact of this missense change (SIFT: "Deleterious"; PolyPhen-2: "Benign"; Align-GVGD: "Class C0"). This variant has not been reported in the literature in individuals with NFKB1-related conditions. The frequency data for this variant in the population databases is considered unreliable, as metrics indicate poor data quality at this position in the ExAC database. This sequence change replaces aspartic acid with tyrosine at codon 186 of the NFKB1 protein (p.Asp186Tyr). The aspartic acid residue is highly conserved and there is a large physicochemical difference between aspartic acid and tyrosine.